The following is an entry in ClinVar:

NM_018418.5(SPATA7):c.445T>A (p.Ser149Thr)

Gene: SPATA7 (spermatogenesis associated 7; plus strand). Cytogenetic location: 14q31.3.
Variant type: single nucleotide variant.
Coding change: c.445T>A on transcript NM_018418.5 (MANE Select); coding-DNA position 445, T replaced by A.
Protein change: p.Ser149Thr; replaces serine 149 with threonine.
Molecular consequence: missense variant.
Genome position (GRCh38, 1-based): chr14:88,426,304, T>A. VCF-style: chr14-88426304-T-A. GRCh37 (hg19) VCF-style: chr14-88892648-T-A.
Other names: c.349T>A, p.Ser117Thr (NM_001040428.4); short protein forms S149T, S117T.
Identifiers: ClinVar variation 1040874 (VCV001040874.8), dbSNP rs2076790068, ClinGen allele CA390561942.

ClinVar aggregate classification (germline): Uncertain significance (1 of 4 stars; one submission).

Conditions:
Leber congenital amaurosis 3 (LCA3). Also called: SPATA7-Related Retinitis Pigmentosa. Identifiers: MedGen C1858677, MONDO:0011415, OMIM 604232.

Submission:

Labcorp Genetics (formerly Invitae), Labcorp
Classification: Uncertain significance for Leber congenital amaurosis 3. Last evaluated: 2020-08-28. Review status: criteria provided, single submitter. Criteria: Invitae Variant Classification Sherloc (09022015). Collection method: clinical testing. Allele origin: germline.
Comment: In summary, the available evidence is currently insufficient to determine the role of this variant in disease. Therefore, it has been classified as a Variant of Uncertain Significance. Algorithms developed to predict the effect of missense changes on protein structure and function are either unavailable or do not agree on the potential impact of this missense change (SIFT: "Deleterious"; PolyPhen-2: "Benign"; Align-GVGD: "Class C0"). This variant has not been reported in the literature in individuals with SPATA7-related conditions. This variant is not present in population databases (ExAC no frequency). This sequence change replaces serine with threonine at codon 149 of the SPATA7 protein (p.Ser149Thr). The serine residue is moderately conserved and there is a small physicochemical difference between serine and threonine.